The following is an entry in ClinVar:

NM_006766.5(KAT6A):c.3353-1G>A

Gene: KAT6A (lysine acetyltransferase 6A; minus strand). Cytogenetic location: 8p11.21.
Variant type: single nucleotide variant.
Coding change: c.3353-1G>A on transcript NM_006766.5 (MANE Select); the canonical splice acceptor site of the intron before coding-DNA position 3353, G replaced by A.
Molecular consequence: splice acceptor variant.
Genome position (GRCh38, 1-based): chr8:41,934,868, C>T on the plus strand (G>A on the coding strand, the complement: KAT6A is on the minus strand). VCF-style: chr8-41934868-C-T. GRCh37 (hg19) VCF-style: chr8-41792386-C-T.
Identifiers: ClinVar variation 449582 (VCV000449582.4), dbSNP rs1351334408, ClinGen allele CA371069337.
Genomic context (GRCh38, chr8:41,934,868, plus strand): 5'-GAGGAGAATTCTTCACATCACGTTTTCGCAAAAGAGATACTGGCTTTAAGATAGGAGTGT[C>T]TATACAGGAAGGAAAAAAAACAAAGACAGGTTACAAGGTCTTACATTTTCTAGTTCCTTC-3'

ClinVar aggregate classification (germline): Pathogenic/Likely pathogenic. Review status: criteria provided, multiple submitters, no conflicts (2 of 4 stars). 2 submissions from 2 submitters: Pathogenic (1); Likely pathogenic (1). Last evaluated 2021-04-26.

Submissions (2):

Genetics Laboratory, UDIAT-Centre Diagnòstic, Hospital Universitari Parc Tauli
Classification: Likely pathogenic. Last evaluated: 2021-04-26. Review status: criteria provided, single submitter. Criteria: Parc Tauli Hospital Assertion Criteria 2021. Collection method: clinical testing. Allele origin: de novo. Inheritance: Autosomal dominant inheritance. Affected: yes. Observed: 1 heterozygote.
Comment: PVS1_moderate;PM2_supporting;PM6_moderate;PP5_supporting

GeneDx
Classification: Pathogenic. Last evaluated: 2015-11-11. Review status: criteria provided, single submitter. Criteria: GeneDx Variant Classification (06012015). Collection method: clinical testing. Allele origin: germline. Affected: yes.
Comment: The c.3353-1G>A pathogenic variant in the KAT6A gene has not been reported previously as a pathogenic variant nor as a benign variant, to our knowledge. This splice site variant destroys the canonical splice acceptor site in intron 17. It is predicted to cause abnormal gene splicing, either leading to an abnormal message that is subject to nonsense-mediated mRNA decay, or to an abnormal protein product if the message is used for protein translation. The c.3353-1G>A variant was not observed in approximately 6500 individuals of European and African American ancestry in the NHLBI Exome Sequencing Project, indicating it is not a common benign variant in these populations. We interpret c.3353-1G>A as a pathogenic variant.